The following is an entry in ClinVar:

ClinVar aggregate classification (germline): Uncertain significance (1 of 4 stars; one submission).

Submission:

Labcorp Genetics (formerly Invitae), Labcorp
Classification: Uncertain significance. Last evaluated: 2025-01-30. Review status: criteria provided, single submitter. Criteria: Invitae Variant Classification Sherloc (09022015). Collection method: clinical testing. Allele origin: germline.
Comment: This sequence change replaces valine, which is neutral and non-polar, with methionine, which is neutral and non-polar, at codon 448 of the CFP protein (p.Val448Met). This variant is not present in population databases (gnomAD no frequency). This variant has not been reported in the literature in individuals affected with CFP-related conditions. An algorithm developed to predict the effect of missense changes on protein structure and function outputs the following: PolyPhen-2: "Benign". The methionine amino acid residue is found in multiple mammalian species, which suggests that this missense change does not adversely affect protein function. In summary, the available evidence is currently insufficient to determine the role of this variant in disease. Therefore, it has been classified as a Variant of Uncertain Significance.

NM_001145252.3(CFP):c.1342G>A (p.Val448Met)

Gene: CFP (complement factor properdin; minus strand). Cytogenetic location: Xp11.23.
Variant type: single nucleotide variant.
Coding change: c.1342G>A on transcript NM_001145252.3 (MANE Select); coding-DNA position 1342, G replaced by A.
Protein change: p.Val448Met; replaces valine 448 with methionine.
Molecular consequence: missense variant.
Genome position (GRCh38, 1-based): chrX:47,624,343, C>T on the plus strand (G>A on the coding strand, the complement: CFP is on the minus strand). VCF-style: chrX-47624343-C-T. GRCh37 (hg19) VCF-style: chrX-47483742-C-T.
Other names: c.1342G>A, p.Val448Met (NM_002621.2); short protein forms V448M.
Identifiers: ClinVar variation 4712082 (VCV004712082.1).
Genomic context (GRCh38, chrX:47,624,343, plus strand): 5'-CCTCTTCCTCAGGGTCTTTGCAAGCAGGCACGTGTAGACATGGTCGTTTCTCCTCCACCA[C>T]CAGCTTCTGCCCTTGTAGCTCCTCACACCGTGGCAGCGGTCTCCCCCAGAAGGTCACGTT-3'
Protein context (NP_001138724.1, residues 438-458): RCEELQGQKL[Val448Met]VEEKRPCLHV